The following is an entry in ClinVar:

ClinVar aggregate classification (germline): Benign. Review status: criteria provided, multiple submitters, no conflicts (2 of 4 stars). 5 submissions from 5 submitters: Benign (5). Last evaluated 2026-02-01.

Conditions:
Pityriasis rubra pilaris (PRP). Also called: Pityriasis rubra pilaris--familial type. Identifiers: Orphanet 2897, MedGen C0032027, MONDO:0100017, OMIM 173200, MONDO:0008251.
Psoriasis 2. Identifiers: MedGen C1864497, MONDO:0011269, OMIM 602723.
Autoinflammatory syndrome. Identifiers: Orphanet 93665, MedGen C3890737, MONDO:0019751.

Allele frequency attached by ClinVar (database versions not stated): gnomAD exomes 0.00125; ExAC 0.00235; ESP Exome Variant Server 0.00391; gnomAD 0.00470 and 0.00496; TOPMed 0.00525; 1000 Genomes Project 0.00659; 1000 Genomes Project 30x 0.00687.
gnomAD v4.1: 1,411 of 1,544,862 alleles (0.091%); highest among the groups gnomAD compares: African/African-American, 1.6%; 11 homozygotes.

Submissions (5):

Labcorp Genetics (formerly Invitae), Labcorp
Classification: Benign for Pityriasis rubra pilaris; Psoriasis 2. Last evaluated: 2026-02-01. Review status: criteria provided, single submitter. Criteria: Invitae Variant Classification Sherloc (09022015). Collection method: clinical testing. Allele origin: germline.

Women's Health and Genetics/Laboratory Corporation of America, LabCorp
Classification: Benign. Last evaluated: 2026-01-22. Review status: criteria provided, single submitter. Criteria: LabCorp Variant Classification Summary - May 2015. Collection method: clinical testing. Allele origin: germline.

Mayo Clinic Laboratories, Mayo Clinic
Classification: Benign. Last evaluated: 2023-08-28. Review status: criteria provided, single submitter. Criteria: ACMG Guidelines, 2015. Collection method: clinical testing. Allele origin: germline. Observed: 2 variant alleles.
Comment: BS1, BS2, BP4, BP7

Genome Diagnostics Laboratory, The Hospital for Sick Children
Classification: Benign for Autoinflammatory syndrome. Last evaluated: 2019-06-01. Review status: criteria provided, single submitter. Criteria: ACMG Guidelines, 2015. Collection method: clinical testing. Allele origin: germline. Affected: yes.

Breakthrough Genomics
Classification: Benign. Review status: criteria provided, single submitter. Criteria: ACMG Guidelines, 2015. Collection method: not provided. Allele origin: germline. Inheritance: Autosomal dominant inheritance. Affected: yes.

NM_001366385.1(CARD14):c.2829C>T (p.Gly943=)

Genes: CARD14 (caspase recruitment domain family member 14; plus strand), SGSH (N-sulfoglucosamine sulfohydrolase; minus strand). Cytogenetic location: 17q25.3.
Variant type: single nucleotide variant.
Coding change: c.2829C>T on transcript NM_001366385.1 (MANE Select); coding-DNA position 2829, C replaced by T.
Protein change: p.Gly943=; no amino-acid change (glycine 943 retained).
Molecular consequence: synonymous variant. On other transcripts: non-coding transcript variant (1).
Genome position (GRCh38, 1-based): chr17:80,208,159, C>T. VCF-style: chr17-80208159-C-T. GRCh37 (hg19) VCF-style: chr17-78181958-C-T.
Other names: p.Gly943=; c.2829C>T, p.Gly943= (NM_024110.4).
Identifiers: ClinVar variation 527893 (VCV000527893.18), dbSNP rs200640336, ClinGen allele CA8817492.
Genomic context (GRCh38, chr17:80,208,159, plus strand): 5'-CTCCCCTGAGCCCGCCCCCCCCAACTCTGGCCTGTGCAGGAAGGGCCTACAGCGGTTGGG[C>T]ACCTCAGAGGAGCAGCTCCTGGAGGCTGCGAGGCAGGAGGAGGGAGACCTGGACCGGGCG-3'
Protein context (NP_001353314.1, residues 933-953): KKLKKGLQRL[Gly943=]TSEEQLLEAA